The following is an entry in ClinVar:

ClinVar aggregate classification (germline): Uncertain significance. Review status: criteria provided, multiple submitters, no conflicts (2 of 4 stars). 3 submissions from 3 submitters: Uncertain significance (3). Last evaluated 2025-03-05.

Conditions:
Multiple mitochondrial dysfunctions syndrome 6. Identifiers: Orphanet 569290, MedGen C4693741, MONDO:0054785, OMIM 617954.

Allele frequency attached by ClinVar (database versions not stated): gnomAD 0.00001; gnomAD exomes 0.00003 and 0.00007; TOPMed 0.00004; ExAC 0.00005.
gnomAD v4.1: 93 of 1,605,656 alleles (0.0058%); highest among the groups gnomAD compares: Non-Finnish European, 0.0077%; no homozygotes.

Submissions (3):

GeneDx
Classification: Uncertain significance. Last evaluated: 2025-03-05. Review status: criteria provided, single submitter. Criteria: GeneDx Variant Classification Process June 2021. Collection method: clinical testing. Allele origin: germline. Affected: yes.
Comment: Reported previously in the compound heterozygous state in a patient with developmental delay and movement disorder (PMID: 37541188); In silico analysis supports that this missense variant has a deleterious effect on protein structure/function; This variant is associated with the following publications: (PMID: 37541188)

Blueprint Genetics
Classification: Uncertain significance. Last evaluated: 2022-10-06. Review status: criteria provided, single submitter. Criteria: ACMG Guidelines, 2015. Collection method: clinical testing. Allele origin: germline.

Baylor Genetics
Classification: Uncertain significance for Multiple mitochondrial dysfunctions syndrome 6. Last evaluated: 2020-11-25. Review status: criteria provided, single submitter. Criteria: ACMG Guidelines, 2015. Collection method: clinical testing. Allele origin: paternal. Affected: yes.
Comment: This variant was determined to be of uncertain significance according to ACMG Guidelines, 2015 [PMID:25741868].

NM_004279.3(PMPCB):c.470T>G (p.Leu157Arg)

Gene: PMPCB (peptidase, mitochondrial processing subunit beta; plus strand). Cytogenetic location: 7q22.1.
Variant type: single nucleotide variant.
Coding change: c.470T>G on transcript NM_004279.3 (MANE Select); coding-DNA position 470, T replaced by G.
Protein change: p.Leu157Arg; replaces leucine 157 with arginine.
Molecular consequence: missense variant.
Genome position (GRCh38, 1-based): chr7:103,303,854, T>G. VCF-style: chr7-103303854-T-G. GRCh37 (hg19) VCF-style: chr7-102944301-T-G.
Other names: short protein forms L157R.
Identifiers: ClinVar variation 1030759 (VCV001030759.4), dbSNP rs777654434, ClinGen allele CA4417973.